The following is an entry in ClinVar:

NM_001039660.2(IL18BP):c.507+82A>T

Gene: IL18BP (interleukin 18 binding protein; plus strand). Cytogenetic location: 11q13.4.
Variant type: single nucleotide variant.
Coding change: c.507+82A>T on transcript NM_001039660.2 (MANE Select); 82 bases into the intron after coding-DNA position 507, A replaced by T.
Molecular consequence: intron variant. On other transcripts: missense variant (1).
Genome position (GRCh38, 1-based): chr11:72,001,634, A>T. VCF-style: chr11-72001634-A-T. GRCh37 (hg19) VCF-style: chr11-71712680-A-T.
Other names: c.589A>T, p.Ser197Cys (NM_005699.3); c.507+82A>T (NM_001039659.2, NM_173042.2, NM_001145057.1); c.380-150A>T (NM_173044.3); c.236-150A>T (NM_001145055.1); short protein forms S197C.
Identifiers: ClinVar variation 2642109 (VCV002642109.24), dbSNP rs5743674, ClinGen allele CA6166271.

ClinVar aggregate classification (germline): Likely benign (1 of 4 stars; one submission).

Allele frequency attached by ClinVar (database versions not stated): 1000 Genomes Project 30x 0.00016; 1000 Genomes Project 0.00020; gnomAD 0.00036; TOPMed 0.00055; gnomAD exomes 0.00058; ExAC 0.00072.
gnomAD v4.1: 886 of 1,591,970 alleles (0.056%); highest among the groups gnomAD compares: Non-Finnish European, 0.071%; no homozygotes.

Submission:

CeGaT Center for Human Genetics Tuebingen
Classification: Likely benign. Last evaluated: 2023-10-01. Review status: criteria provided, single submitter. Criteria: CeGaT Center For Human Genetics Tuebingen Variant Classification Criteria Version 2. Collection method: clinical testing. Allele origin: germline. Affected: yes. Observed: 1 variant allele.
Comment: IL18BP: BP4